The following is an entry in ClinVar:

ClinVar aggregate classification (germline): Uncertain significance (1 of 4 stars; one submission).

gnomAD v4.1: 47 of 1,613,792 alleles (0.0029%); highest among the groups gnomAD compares: Non-Finnish European, 0.0036%; no homozygotes.

Submission:

Labcorp Genetics (formerly Invitae), Labcorp
Classification: Uncertain significance. Last evaluated: 2025-05-14. Review status: criteria provided, single submitter. Criteria: Invitae Variant Classification Sherloc (09022015). Collection method: clinical testing. Allele origin: germline.
Comment: This sequence change replaces valine, which is neutral and non-polar, with methionine, which is neutral and non-polar, at codon 110 of the DIP2C protein (p.Val110Met). This variant is not present in population databases (gnomAD no frequency). This variant has not been reported in the literature in individuals affected with DIP2C-related conditions. ClinVar contains an entry for this variant (Variation ID: 3718896). An algorithm developed to predict the effect of missense changes on protein structure and function (PolyPhen-2) suggests that this variant is likely to be tolerated. In summary, the available evidence is currently insufficient to determine the role of this variant in disease. Therefore, it has been classified as a Variant of Uncertain Significance.

NM_014974.3(DIP2C):c.328G>A (p.Val110Met)

Gene: DIP2C (DIP2 acetate--CoA ligase C (putative); minus strand). Cytogenetic location: 10p15.3.
Variant type: single nucleotide variant.
Coding change: c.328G>A on transcript NM_014974.3 (MANE Select); coding-DNA position 328, G replaced by A.
Protein change: p.Val110Met; replaces valine 110 with methionine.
Molecular consequence: missense variant.
Genome position (GRCh38, 1-based): chr10:440,937, C>T on the plus strand (G>A on the coding strand, the complement: DIP2C is on the minus strand). VCF-style: chr10-440937-C-T. GRCh37 (hg19) VCF-style: chr10-486877-C-T.
Other names: short protein forms V110M.
Identifiers: ClinVar variation 3718896 (VCV003718896.2).